The following is an entry in ClinVar:

NM_001394062.1(MACF1):c.16667T>A (p.Leu5556Gln)

Gene: MACF1 (microtubule actin crosslinking factor 1; plus strand). Cytogenetic location: 1p34.3.
Variant type: single nucleotide variant.
Coding change: c.16667T>A on transcript NM_001394062.1 (MANE Select); coding-DNA position 16667, T replaced by A.
Protein change: p.Leu5556Gln; replaces leucine 5556 with glutamine.
Molecular consequence: missense variant. On other transcripts: intron variant (1).
Genome position (GRCh38, 1-based): chr1:39,428,151, T>A. VCF-style: chr1-39428151-T-A. GRCh37 (hg19) VCF-style: chr1-39893823-T-A.
Other names: c.10481T>A, p.Leu3494Gln (NM_012090.5); c.4872+537T>A (NM_001397473.1); short protein forms L3494Q, L5556Q.
Identifiers: ClinVar variation 3701746 (VCV003701746.2).

ClinVar aggregate classification (germline): Uncertain significance (1 of 4 stars; one submission).

gnomAD v4.1: 15 of 1,614,218 alleles (0.00093%); highest among the groups gnomAD compares: East Asian, 0.02%; no homozygotes.

Submission:

Labcorp Genetics (formerly Invitae), Labcorp
Classification: Uncertain significance. Last evaluated: 2024-02-22. Review status: criteria provided, single submitter. Criteria: Invitae Variant Classification Sherloc (09022015). Collection method: clinical testing. Allele origin: germline.
Comment: This sequence change replaces leucine, which is neutral and non-polar, with glutamine, which is neutral and polar, at codon 3494 of the MACF1 protein (p.Leu3494Gln). This variant is present in population databases (rs201218871, gnomAD 0.006%). This variant has not been reported in the literature in individuals affected with MACF1-related conditions. An algorithm developed to predict the effect of missense changes on protein structure and function (PolyPhen-2) suggests that this variant is likely to be disruptive. In summary, the available evidence is currently insufficient to determine the role of this variant in disease. Therefore, it has been classified as a Variant of Uncertain Significance.